The following is an entry in ClinVar:

ClinVar aggregate classification (germline): Uncertain significance (1 of 4 stars; one submission).

Conditions:
PKD1-related disorder. Also called: PKD1-related condition.

gnomAD v4.1: 14 of 1,588,906 alleles (0.00088%); highest among the groups gnomAD compares: Admixed American, 0.0086%; no homozygotes.

Submission:

PreventionGenetics, part of Exact Sciences
Classification: Uncertain significance for PKD1-related condition. Last evaluated: 2026-04-13. Review status: criteria provided, single submitter. Criteria: ACMG Guidelines, 2015. Collection method: clinical testing. Allele origin: germline.
Comment: The PKD1 c.1934G>A variant is predicted to result in the amino acid substitution p.Arg645His. To our knowledge, this variant has not been reported in the literature. This variant is reported in 0.0073% of alleles in individuals of Latino descent in gnomAD. At this time, the clinical significance of this variant is uncertain due to the absence of conclusive functional and genetic evidence.

NM_001009944.3(PKD1):c.1934G>A (p.Arg645His)

Gene: PKD1 (polycystin 1, transient receptor potential channel interacting; minus strand). Cytogenetic location: 16p13.3.
Variant type: single nucleotide variant.
Coding change: c.1934G>A on transcript NM_001009944.3 (MANE Select); coding-DNA position 1934, G replaced by A.
Protein change: p.Arg645His; replaces arginine 645 with histidine.
Molecular consequence: missense variant.
Genome position (GRCh38, 1-based): chr16:2,115,541, C>T on the plus strand (G>A on the coding strand, the complement: PKD1 is on the minus strand). VCF-style: chr16-2115541-C-T. GRCh37 (hg19) VCF-style: chr16-2165542-C-T.
Other names: c.1934G>A, p.Arg645His (NM_000296.4); short protein forms R645H.
Identifiers: ClinVar variation 4990234 (VCV004990234.1).